The following is an entry in ClinVar:

NM_005629.4(SLC6A8):c.1573T>C (p.Phe525Leu)

Gene: SLC6A8 (solute carrier family 6 member 8; plus strand). Cytogenetic location: Xq28.
Variant type: single nucleotide variant.
Coding change: c.1573T>C on transcript NM_005629.4 (MANE Select); coding-DNA position 1573, T replaced by C.
Protein change: p.Phe525Leu; replaces phenylalanine 525 with leucine.
Molecular consequence: missense variant.
Genome position (GRCh38, 1-based): chrX:153,694,610, T>C. VCF-style: chrX-153694610-T-C. GRCh37 (hg19) VCF-style: chrX-152960065-T-C.
Other names: c.1543T>C, p.Phe515Leu (NM_001142805.2); c.1228T>C, p.Phe410Leu (NM_001142806.1); short protein forms F515L, F410L, F525L.
Identifiers: ClinVar variation 3445060 (VCV003445060.2).

ClinVar aggregate classification (germline): Uncertain significance. Review status: criteria provided, multiple submitters, no conflicts (2 of 4 stars). 2 submissions from 2 submitters: Uncertain significance (2). Last evaluated 2025-05-27.

Conditions:
Inborn genetic diseases. Identifiers: MedGen C0950123, MeSH D030342.

Submissions (2):

GeneDx
Classification: Uncertain significance. Last evaluated: 2025-05-27. Review status: criteria provided, single submitter. Criteria: GeneDx Variant Classification Process June 2021. Collection method: clinical testing. Allele origin: germline. Affected: yes.
Comment: Not observed at significant frequency in large population cohorts (gnomAD); In silico analysis supports that this missense variant has a deleterious effect on protein structure/function; Has not been previously published as pathogenic or benign to our knowledge

Ambry Genetics
Classification: Uncertain significance for Inborn genetic diseases. Last evaluated: 2024-10-29. Review status: criteria provided, single submitter. Criteria: Ambry Variant Classification Scheme 2023. Collection method: clinical testing. Allele origin: germline.